The following is an entry in ClinVar:

ClinVar aggregate classification (germline): Uncertain significance (1 of 4 stars; one submission).

Submission:

Labcorp Genetics (formerly Invitae), Labcorp
Classification: Uncertain significance. Last evaluated: 2021-09-26. Review status: criteria provided, single submitter. Criteria: Invitae Variant Classification Sherloc (09022015). Collection method: clinical testing. Allele origin: germline.
Comment: In summary, the available evidence is currently insufficient to determine the role of this variant in disease. Therefore, it has been classified as a Variant of Uncertain Significance. This variant has not been reported in the literature in individuals affected with OAS1-related conditions. This variant results in a copy number gain of the genomic region encompassing exon(s) 4-6 of the OAS1 gene. This region includes the termination codon of the gene. This copy number gain extends beyond the assayed region for this gene and therefore may encompass additional genes. As the precise location of this event is unknown, it may be in tandem or it may be located elsewhere in the genome.

NC_000012.11:g.(?_113354294)_(113357358_?)dup

Gene: OAS1 (2'-5'-oligoadenylate synthetase 1; plus strand). Cytogenetic location: 12q24.13.
Variant type: Duplication.
Identifiers: ClinVar variation 1444645 (VCV001444645.4).